The following is an entry in ClinVar:

NM_003361.4(UMOD):c.1328T>C (p.Val443Ala)

Gene: UMOD (uromodulin; minus strand). Cytogenetic location: 16p12.3.
Variant type: single nucleotide variant.
Coding change: c.1328T>C on transcript NM_003361.4 (MANE Select); coding-DNA position 1328, T replaced by C.
Protein change: p.Val443Ala; replaces valine 443 with alanine.
Molecular consequence: missense variant. On other transcripts: non-coding transcript variant (1).
Genome position (GRCh38, 1-based): chr16:20,344,027, A>G on the plus strand (T>C on the coding strand, the complement: UMOD is on the minus strand). VCF-style: chr16-20344027-A-G. GRCh37 (hg19) VCF-style: chr16-20355349-A-G.
Other names: c.1328T>C, p.Val443Ala (NM_001008389.3, NM_001378232.1, NM_001378233.1 and 3 more transcripts); c.1427T>C, p.Val476Ala (NM_001278614.2); short protein forms V443A, V476A.
Identifiers: ClinVar variation 3365462 (VCV003365462.1).
Genomic context (GRCh38, chr16:20,344,027, plus strand): 5'-TTAAGGGGTTTGGGGTTAGAACCATCTAGGGGCCCTAGGGACCCTCTCTGGCCACACCTG[A>G]CCATTGGCTGTAGGGCGGTCTTCAGGCTGACTTTCATGTCCAGGGGGTAGGAGCATGCAA-3'
Protein context (NP_003352.2, residues 433-453): VSLKTALQPM[Val443Ala]SALNIRVGGT

ClinVar aggregate classification (germline): Uncertain significance (1 of 4 stars; one submission).

gnomAD v4.1: 1 of 1,613,562 alleles (0.000062%); highest among the groups gnomAD compares: Admixed American, 0.0017%; no homozygotes.

Submission:

GeneDx
Classification: Uncertain significance. Last evaluated: 2023-12-13. Review status: criteria provided, single submitter. Criteria: GeneDx Variant Classification Process June 2021. Collection method: clinical testing. Allele origin: germline. Affected: yes.
Comment: Not observed at significant frequency in large population cohorts (gnomAD); In silico analysis supports that this missense variant has a deleterious effect on protein structure/function; Has not been previously published as pathogenic or benign to our knowledge